The following is an entry in ClinVar:

NM_002180.3(IGHMBP2):c.1990A>C (p.Thr664Pro)

Gene: IGHMBP2 (immunoglobulin mu DNA binding protein 2; plus strand). Cytogenetic location: 11q13.3.
Variant type: single nucleotide variant.
Coding change: c.1990A>C on transcript NM_002180.3 (MANE Select); coding-DNA position 1990, A replaced by C.
Protein change: p.Thr664Pro; replaces threonine 664 with proline.
Molecular consequence: missense variant.
Genome position (GRCh38, 1-based): chr11:68,936,470, A>C. VCF-style: chr11-68936470-A-C. GRCh37 (hg19) VCF-style: chr11-68703938-A-C.
Other names: short protein forms T664P.
Identifiers: ClinVar variation 661627 (VCV000661627.6), dbSNP rs1310268610, ClinGen allele CA381652579.
Genomic context (GRCh38, chr11:68,936,470, plus strand): 5'-GACGATATTGTCCCAGAAAACTATTCCCATGAGAACTCCCAGGGTTCCAGCCACGCTGCC[A>C]CCAAGCCCCAGGGACCTGCTACGTCCACCAGGACCGGAAGCCAGCGGCAGGAGGGAGGCC-3'
Protein context (NP_002171.2, residues 654-674): ENSQGSSHAA[Thr664Pro]KPQGPATSTR

ClinVar aggregate classification (germline): Uncertain significance (1 of 4 stars; one submission).

Conditions:
Autosomal recessive distal spinal muscular atrophy 1. Also called: SEVERE INFANTILE AXONAL NEUROPATHY WITH RESPIRATORY FAILURE; SPINAL MUSCULAR ATROPHY, DIAPHRAGMATIC; HMN VI; NEURONOPATHY, SEVERE INFANTILE AXONAL, WITH RESPIRATORY FAILURE; Spinal muscular atrophy with respiratory distress 1; NEURONOPATHY, DISTAL HEREDITARY MOTOR, HARDING TYPE VI. Identifiers: Orphanet 98920, MedGen C1858517, MONDO:0011436, OMIM 604320.
Charcot-Marie-Tooth disease axonal type 2S. Also called: CHARCOT-MARIE-TOOTH NEUROPATHY, TYPE 2S; CHARCOT-MARIE-TOOTH DISEASE, AXONAL, AUTOSOMAL RECESSIVE, TYPE 2S. Identifiers: Orphanet 443073, MedGen C4015349, MONDO:0014511, OMIM 616155.

Allele frequency attached by ClinVar (database versions not stated): gnomAD exomes below 0.00001; TOPMed below 0.00001; gnomAD 0.00001.
gnomAD v4.1: 5 of 1,613,722 alleles (0.00031%); highest among the groups gnomAD compares: Non-Finnish European, 0.00042%; no homozygotes.

Submission:

Labcorp Genetics (formerly Invitae), Labcorp
Classification: Uncertain significance for Autosomal recessive distal spinal muscular atrophy 1; Charcot-Marie-Tooth disease axonal type 2S. Last evaluated: 2021-09-01. Review status: criteria provided, single submitter. Criteria: Invitae Variant Classification Sherloc (09022015). Collection method: clinical testing. Allele origin: germline.
Comment: This sequence change replaces threonine with proline at codon 664 of the IGHMBP2 protein (p.Thr664Pro). The threonine residue is weakly conserved and there is a small physicochemical difference between threonine and proline. This variant is not present in population databases (ExAC no frequency). This variant has not been reported in the literature in individuals affected with IGHMBP2-related conditions. Algorithms developed to predict the effect of missense changes on protein structure and function (SIFT, PolyPhen-2, Align-GVGD) all suggest that this variant is likely to be tolerated. In summary, the available evidence is currently insufficient to determine the role of this variant in disease. Therefore, it has been classified as a Variant of Uncertain Significance.